The following is an entry in ClinVar:

NM_000061.3(BTK):c.978C>A (p.Asp326Glu)

Gene: BTK (Bruton tyrosine kinase; minus strand). Cytogenetic location: Xq22.1.
Variant type: single nucleotide variant.
Coding change: c.978C>A on transcript NM_000061.3 (MANE Select); coding-DNA position 978, C replaced by A.
Protein change: p.Asp326Glu; replaces aspartic acid 326 with glutamic acid.
Molecular consequence: missense variant.
Genome position (GRCh38, 1-based): chrX:101,358,434, G>T on the plus strand (C>A on the coding strand, the complement: BTK is on the minus strand). VCF-style: chrX-101358434-G-T. GRCh37 (hg19) VCF-style: chrX-100613422-G-T.
Other names: c.1080C>A, p.Asp360Glu (NM_001287344.2); c.978C>A, p.Asp326Glu (NM_001287345.2); short protein forms D326E, D360E.
Identifiers: ClinVar variation 3015714 (VCV003015714.3), dbSNP rs781947474, ClinGen allele CA10473074.

ClinVar aggregate classification (germline): Uncertain significance (1 of 4 stars; one submission).

Conditions:
X-linked agammaglobulinemia with growth hormone deficiency (IGHD3). Also called: FLEISHER SYNDROME; HYPOGAMMAGLOBULINEMIA AND ISOLATED GROWTH HORMONE DEFICIENCY, X-LINKED; IGHD III; ISOLATED GROWTH HORMONE DEFICIENCY, TYPE III, WITH AGAMMAGLOBULINEMIA; AGAMMAGLOBULINEMIA AND ISOLATED GROWTH HORMONE DEFICIENCY, X-LINKED; Isolated growth hormone deficiency type 3. Identifiers: Orphanet 231692, Orphanet 631, MedGen C0472813, MONDO:0010615, OMIM 307200.

Allele frequency attached by ClinVar (database versions not stated): gnomAD exomes below 0.00001; ExAC 0.00001.
gnomAD v4.1: 1 of 1,211,822 alleles (0.000083%); highest among the groups gnomAD compares: Non-Finnish European, 0.00011%; no homozygotes.

Submission:

Labcorp Genetics (formerly Invitae), Labcorp
Classification: Uncertain significance for X-linked agammaglobulinemia with growth hormone deficiency. Last evaluated: 2023-03-12. Review status: criteria provided, single submitter. Criteria: Invitae Variant Classification Sherloc (09022015). Collection method: clinical testing. Allele origin: germline.
Comment: In summary, the available evidence is currently insufficient to determine the role of this variant in disease. Therefore, it has been classified as a Variant of Uncertain Significance. Advanced modeling of protein sequence and biophysical properties (such as structural, functional, and spatial information, amino acid conservation, physicochemical variation, residue mobility, and thermodynamic stability) performed at Invitae indicates that this missense variant is not expected to disrupt BTK protein function. This variant has not been reported in the literature in individuals affected with BTK-related conditions. This variant is present in population databases (rs781947474, gnomAD 0.003%). This sequence change replaces aspartic acid, which is acidic and polar, with glutamic acid, which is acidic and polar, at codon 326 of the BTK protein (p.Asp326Glu).